The following is an entry in ClinVar:

NM_020436.5(SALL4):c.1104G>A (p.Ala368=)

Gene: SALL4 (spalt like transcription factor 4; minus strand). Cytogenetic location: 20q13.2.
Variant type: single nucleotide variant.
Coding change: c.1104G>A on transcript NM_020436.5 (MANE Select); coding-DNA position 1104, G replaced by A.
Protein change: p.Ala368=; no amino-acid change (alanine 368 retained).
Molecular consequence: synonymous variant.
Genome position (GRCh38, 1-based): chr20:51,791,379, C>T on the plus strand (G>A on the coding strand, the complement: SALL4 is on the minus strand). VCF-style: chr20-51791379-C-T. GRCh37 (hg19) VCF-style: chr20-50407918-C-T.
Other names: c.1104G>A, p.Ala368= (NM_001318031.2); c.1104G>A (NM_020436.4, LRG_675t1).
Identifiers: ClinVar variation 282795 (VCV000282795.7), dbSNP rs142357063, ClinGen allele CA9912343.

ClinVar aggregate classification (germline): Conflicting classifications of pathogenicity. Review status: criteria provided, conflicting classifications (1 of 4 stars). 3 submissions from 3 submitters: Uncertain significance (1); Likely benign (2). Last evaluated 2024-12-11.

Conditions:
SALL4-Related Disorders. Also called: SALL4-related disorder; SALL4-related condition. Identifiers: MedGen CN381056.

Allele frequency attached by ClinVar (database versions not stated): ExAC 0.00008; gnomAD exomes 0.00010; TOPMed 0.00012; gnomAD 0.00013; ESP Exome Variant Server 0.00023.
gnomAD v4.1: 372 of 1,614,072 alleles (0.023%); highest among the groups gnomAD compares: Non-Finnish European, 0.029%; no homozygotes.

Submissions (3):

PreventionGenetics, part of Exact Sciences
Classification: Likely benign for SALL4-related condition. Last evaluated: 2024-12-11. Review status: criteria provided, single submitter. Criteria: ACMG Guidelines, 2015. Collection method: clinical testing. Allele origin: germline.
Comment: This variant is classified as likely benign based on ACMG/AMP sequence variant interpretation guidelines (Richards et al. 2015 PMID: 25741868, with internal and published modifications).

Blueprint Genetics
Classification: Likely benign. Last evaluated: 2024-09-13. Review status: criteria provided, single submitter. Criteria: ACMG Guidelines, 2015. Collection method: clinical testing. Allele origin: germline.

Eurofins Ntd Llc (ga)
Classification: Uncertain significance. Last evaluated: 2015-09-01. Review status: criteria provided, single submitter. Criteria: EGL Classification Definitions 2015. Collection method: clinical testing. Allele origin: germline. Observed: 1 variant allele, 1 heterozygote.